The following is an entry in ClinVar:

ClinVar aggregate classification (germline): Uncertain significance (1 of 4 stars; one submission).

Conditions:
Early-infantile DEE. Also called: Early infantile epileptic encephalopathy with suppression bursts; Early infantile epileptic encephalopathy; Ohtahara syndrome. Identifiers: Orphanet 1934, MedGen C0393706, MONDO:0800491.

Submission:

Labcorp Genetics (formerly Invitae), Labcorp
Classification: Uncertain significance for Early-infantile DEE. Last evaluated: 2021-05-13. Review status: criteria provided, single submitter. Criteria: Invitae Variant Classification Sherloc (09022015). Collection method: clinical testing. Allele origin: germline.
Comment: In summary, the available evidence is currently insufficient to determine the role of this variant in disease. Therefore, it has been classified as a Variant of Uncertain Significance. This variant disrupts the p.Val320 amino acid residue in KCNQ2. Other variant(s) that disrupt this residue have been observed in individuals with KCNQ2-related conditions (PMID: 29215089), which suggests that this may be a clinically significant amino acid residue. Advanced modeling of protein sequence and biophysical properties (such as structural, functional, and spatial information, amino acid conservation, physicochemical variation, residue mobility, and thermodynamic stability) performed at Invitae indicates that this missense variant is expected to disrupt KCNQ2 protein function. This variant has been observed in individual(s) with clinical features of KCNQ2-related conditions (Invitae). This variant is not present in population databases (ExAC no frequency). This sequence change replaces valine with phenylalanine at codon 320 of the KCNQ2 protein (p.Val320Phe). The valine residue is highly conserved and there is a small physicochemical difference between valine and phenylalanine.

Literature cited by the submitters: PubMed 29215089.

NM_172107.4(KCNQ2):c.958G>T (p.Val320Phe)

Gene: KCNQ2 (potassium voltage-gated channel subfamily Q member 2; minus strand). Cytogenetic location: 20q13.33.
Variant type: single nucleotide variant.
Coding change: c.958G>T on transcript NM_172107.4 (MANE Select); coding-DNA position 958, G replaced by T.
Protein change: p.Val320Phe; replaces valine 320 with phenylalanine.
Molecular consequence: missense variant.
Genome position (GRCh38, 1-based): chr20:63,438,690, C>A on the plus strand (G>T on the coding strand, the complement: KCNQ2 is on the minus strand). VCF-style: chr20-63438690-C-A. GRCh37 (hg19) VCF-style: chr20-62070043-C-A.
Other names: c.958G>T, p.Val320Phe (NM_001382235.1, NM_004518.6, NM_172106.3 and 2 more transcripts); short protein forms V320F.
Identifiers: ClinVar variation 1358865 (VCV001358865.9), dbSNP rs2145712541, ClinGen allele CA409652259.